The following is an entry in ClinVar:

ClinVar aggregate classification (germline): Uncertain significance (1 of 4 stars; one submission).

gnomAD v4.1: 5 of 1,613,954 alleles (0.00031%); highest among the groups gnomAD compares: East Asian, 0.011%; no homozygotes.

Submission:

Labcorp Genetics (formerly Invitae), Labcorp
Classification: Uncertain significance. Last evaluated: 2024-06-24. Review status: criteria provided, single submitter. Criteria: Invitae Variant Classification Sherloc (09022015). Collection method: clinical testing. Allele origin: germline.
Comment: This sequence change replaces proline, which is neutral and non-polar, with leucine, which is neutral and non-polar, at codon 1544 of the SZT2 protein (p.Pro1544Leu). This variant is present in population databases (rs767369825, gnomAD 0.006%). This variant has not been reported in the literature in individuals affected with SZT2-related conditions. Advanced modeling of protein sequence and biophysical properties (such as structural, functional, and spatial information, amino acid conservation, physicochemical variation, residue mobility, and thermodynamic stability) performed at Invitae indicates that this missense variant is not expected to disrupt SZT2 protein function with a negative predictive value of 80%. In summary, the available evidence is currently insufficient to determine the role of this variant in disease. Therefore, it has been classified as a Variant of Uncertain Significance.

NM_001365999.1(SZT2):c.4802C>T (p.Pro1601Leu)

Gene: SZT2 (SZT2 subunit of KICSTOR complex; plus strand). Cytogenetic location: 1p34.2.
Variant type: single nucleotide variant.
Coding change: c.4802C>T on transcript NM_001365999.1 (MANE Select); coding-DNA position 4802, C replaced by T.
Protein change: p.Pro1601Leu; replaces proline 1601 with leucine.
Molecular consequence: missense variant.
Genome position (GRCh38, 1-based): chr1:43,430,976, C>T. VCF-style: chr1-43430976-C-T. GRCh37 (hg19) VCF-style: chr1-43896647-C-T.
Other names: c.4631C>T, p.Pro1544Leu (NM_015284.4); short protein forms P1544L, P1601L.
Identifiers: ClinVar variation 3730772 (VCV003730772.2).